The following is an entry in ClinVar:

ClinVar aggregate classification (germline): Likely benign. Review status: criteria provided, multiple submitters, no conflicts (2 of 4 stars). 2 submissions from 2 submitters: Likely benign (2). Last evaluated 2024-05-24.

Conditions:
Ataxia-telangiectasia syndrome (AT). Also called: Ataxia-telangiectasia, complementation group E; Ataxia telangiectasia (A-T); LOUIS-BAR SYNDROME; ATAXIA-TELANGIECTASIA, COMPLEMENTATION GROUP A; ATAXIA-TELANGIECTASIA, FRESNO VARIANT; Ataxia-telangiectasia, complementation group D. Identifiers: Orphanet 100, MedGen C0004135, MONDO:0008840, OMIM 208900.
Familial cancer of breast. Also called: BREAST CANCER, FAMILIAL; Hereditary breast cancer; hereditary breast carcinoma. Identifiers: Orphanet 227535, MedGen C0346153, MONDO:0016419, OMIM 114480. Disease mechanism: loss of function.

Submissions (2):

Myriad Genetics, Inc.
Classification: Likely benign for Familial cancer of breast. Last evaluated: 2024-05-24. Review status: criteria provided, single submitter. Criteria: Myriad Autosomal Dominant, Autosomal Recessive and X-Linked Classification Criteria (2023). Collection method: clinical testing. Allele origin: unknown.
Comment: This variant is considered likely benign. This variant is intronic and is not expected to impact mRNA splicing.

Labcorp Genetics (formerly Invitae), Labcorp
Classification: Likely benign for Ataxia-telangiectasia syndrome. Last evaluated: 2023-09-19. Review status: criteria provided, single submitter. Criteria: Invitae Variant Classification Sherloc (09022015). Collection method: clinical testing. Allele origin: germline.

NM_000051.4(ATM):c.5762+7_5762+11del

Gene: ATM (ATM serine/threonine kinase; plus strand). Cytogenetic location: 11q22.3.
Variant type: Microsatellite.
Coding change: c.5762+7_5762+11del on transcript NM_000051.4 (MANE Select); bases 7 to 11 of the intron after coding-DNA position 5762, 5 bases deleted (TAATG; older notation c.5762+7_5762+11delTAATG).
Molecular consequence: splice donor variant.
Genome position (GRCh38, 1-based): chr11:108,307,991-108,307,995, TAATG deleted; deleting any 5 consecutive bases within chr11:108,307,985-108,307,995 gives the same sequence; the c. name uses the placement nearest the transcript's 3' end. VCF-style (leftmost placement, unchanged base first): chr11-108307984-GGTAAT-G. GRCh37 (hg19) VCF-style: chr11-108178711-GGTAAT-G.
Other names: c.5762+7_5762+11del (NM_001351834.2).
Identifiers: ClinVar variation 2870893 (VCV002870893.4), dbSNP rs2547006493, ClinGen allele CA2615859753.